The following is an entry in ClinVar:

NM_017780.4(CHD7):c.3577_3583del (p.Asp1193fs)

Gene: CHD7 (chromodomain helicase DNA binding protein 7; plus strand). Cytogenetic location: 8q12.2.
Variant type: Deletion.
Coding change: c.3577_3583del on transcript NM_017780.4 (MANE Select); coding-DNA positions 3577 to 3583, 7 bases deleted (GATGTAG; older notation c.3577_3583delGATGTAG).
Protein change: p.Asp1193fs; shifts the reading frame from aspartic acid 1193.
Molecular consequence: frameshift variant. On other transcripts: intron variant (1).
Genome position (GRCh38, 1-based): chr8:60,830,376-60,830,382, GATGTAG deleted; deleting any 7 consecutive bases within chr8:60,830,374-60,830,382 gives the same sequence; the c. name uses the placement nearest the transcript's 3' end. VCF-style (leftmost placement, unchanged base first): chr8-60830373-GAGGATGT-G. GRCh37 (hg19) VCF-style: chr8-61742932-GAGGATGT-G.
Other names: c.1717-31853_1717-31847del (NM_001316690.1); short protein forms D1193fs.
Identifiers: ClinVar variation 648507 (VCV000648507.2), dbSNP rs1586405367, ClinGen allele CA915945696.

ClinVar aggregate classification (germline): Pathogenic (1 of 4 stars; one submission).

Conditions:
CHARGE syndrome (CHARGE). Also called: Coloboma, heart anomaly, choanal atresia, retardation, genital and ear anomalies; CHARGE association; Hall-Hittner syndrome; Hittner Hirsch Kreh syndrome; CHARGE ASSOCIATION--COLOBOMA, HEART ANOMALY, CHOANAL ATRESIA, RETARDATION, GENITAL AND EAR ANOMALIES. Identifiers: Orphanet 138, MedGen C0265354, MONDO:0008965.

Submission:

Labcorp Genetics (formerly Invitae), Labcorp
Classification: Pathogenic for CHARGE association. Last evaluated: 2019-02-20. Review status: criteria provided, single submitter. Criteria: Invitae Variant Classification Sherloc (09022015). Collection method: clinical testing. Allele origin: germline.
Comment: This sequence change creates a premature translational stop signal (p.Asp1193Lysfs*16) in the CHD7 gene. It is expected to result in an absent or disrupted protein product. This variant is not present in population databases (ExAC no frequency). This variant has not been reported in the literature in individuals with CHD7-related conditions. Loss-of-function variants in CHD7 are known to be pathogenic (PMID: 22461308, 25077900). For these reasons, this variant has been classified as Pathogenic.